The following is an entry in ClinVar:

ClinVar aggregate classification (germline): Uncertain significance (1 of 4 stars; one submission).

Allele frequency attached by ClinVar (database versions not stated): TOPMed 0.00001; ExAC 0.00002; gnomAD 0.00002; gnomAD exomes 0.00002.
gnomAD v4.1: 11 of 1,613,632 alleles (0.00068%); highest among the groups gnomAD compares: South Asian, 0.0033%; no homozygotes.

Submission:

Labcorp Genetics (formerly Invitae), Labcorp
Classification: Uncertain significance. Last evaluated: 2023-09-05. Review status: criteria provided, single submitter. Criteria: Invitae Variant Classification Sherloc (09022015). Collection method: clinical testing. Allele origin: germline.
Comment: In summary, the available evidence is currently insufficient to determine the role of this variant in disease. Therefore, it has been classified as a Variant of Uncertain Significance. Advanced modeling of protein sequence and biophysical properties (such as structural, functional, and spatial information, amino acid conservation, physicochemical variation, residue mobility, and thermodynamic stability) performed at Invitae indicates that this missense variant is not expected to disrupt CLUAP1 protein function. ClinVar contains an entry for this variant (Variation ID: 1040640). This variant has not been reported in the literature in individuals affected with CLUAP1-related conditions. This variant is present in population databases (rs763632511, gnomAD 0.007%). This sequence change replaces serine, which is neutral and polar, with leucine, which is neutral and non-polar, at codon 314 of the CLUAP1 protein (p.Ser314Leu).

NM_015041.3(CLUAP1):c.941C>T (p.Ser314Leu)

Gene: CLUAP1 (clusterin associated protein 1; plus strand). Cytogenetic location: 16p13.3.
Variant type: single nucleotide variant.
Coding change: c.941C>T on transcript NM_015041.3 (MANE Select); coding-DNA position 941, C replaced by T.
Protein change: p.Ser314Leu; replaces serine 314 with leucine.
Molecular consequence: missense variant.
Genome position (GRCh38, 1-based): chr16:3,530,580, C>T. VCF-style: chr16-3530580-C-T. GRCh37 (hg19) VCF-style: chr16-3580580-C-T.
Other names: c.941C>T, p.Ser314Leu (NM_001330454.2); c.443C>T, p.Ser148Leu (NM_024793.3); short protein forms S148L, S314L.
Identifiers: ClinVar variation 1040640 (VCV001040640.8), dbSNP rs763632511, ClinGen allele CA7863915.